The following is an entry in ClinVar:

NM_001082971.2(DDC):c.533C>A (p.Ala178Asp)

Gene: DDC (dopa decarboxylase; minus strand). Cytogenetic location: 7p12.1.
Variant type: single nucleotide variant.
Coding change: c.533C>A on transcript NM_001082971.2 (MANE Select); coding-DNA position 533, C replaced by A.
Protein change: p.Ala178Asp; replaces alanine 178 with aspartic acid.
Molecular consequence: missense variant. On other transcripts: intron variant (1).
Genome position (GRCh38, 1-based): chr7:50,529,245, G>T on the plus strand (C>A on the coding strand, the complement: DDC is on the minus strand). VCF-style: chr7-50529245-G-T. GRCh37 (hg19) VCF-style: chr7-50596943-G-T.
Other names: c.533C>A, p.Ala178Asp (NM_000790.4, NM_001242887.2, NM_001242890.2); c.419C>A, p.Ala140Asp (NM_001242886.2); c.299C>A, p.Ala100Asp (NM_001242888.2); c.435+8615C>A (NM_001242889.2); short protein forms A178D, A100D, A140D.
Identifiers: ClinVar variation 1438388 (VCV001438388.8), dbSNP rs202191889, ClinGen allele CA4262342.

ClinVar aggregate classification (germline): Uncertain significance (1 of 4 stars; one submission).

Conditions:
Deficiency of aromatic-L-amino-acid decarboxylase. Also called: AADC DEFICIENCY; DDC DEFICIENCY; DOPA DECARBOXYLASE DEFICIENCY; Aromatic amino acid decarboxylase deficiency; Aromatic L-Amino Acid Decarboxylase Deficiency. Identifiers: Orphanet 35708, MedGen C1291564, MONDO:0012084, OMIM 608643.

Allele frequency attached by ClinVar (database versions not stated): gnomAD exomes below 0.00001; TOPMed below 0.00001; ExAC 0.00001.
gnomAD v4.1: 1 of 1,613,846 alleles (0.000062%); highest among the groups gnomAD compares: East Asian, 0.0022%; no homozygotes.

Submission:

Labcorp Genetics (formerly Invitae), Labcorp
Classification: Uncertain significance for Deficiency of aromatic-L-amino-acid decarboxylase. Last evaluated: 2024-02-23. Review status: criteria provided, single submitter. Criteria: Invitae Variant Classification Sherloc (09022015). Collection method: clinical testing. Allele origin: germline.
Comment: This sequence change replaces alanine, which is neutral and non-polar, with aspartic acid, which is acidic and polar, at codon 178 of the DDC protein (p.Ala178Asp). This variant is not present in population databases (gnomAD no frequency). This variant has not been reported in the literature in individuals affected with DDC-related conditions. Advanced modeling of protein sequence and biophysical properties (such as structural, functional, and spatial information, amino acid conservation, physicochemical variation, residue mobility, and thermodynamic stability) performed at Invitae indicates that this missense variant is not expected to disrupt DDC protein function with a negative predictive value of 80%. In summary, the available evidence is currently insufficient to determine the role of this variant in disease. Therefore, it has been classified as a Variant of Uncertain Significance.